The following is an entry in ClinVar:

NM_000051.4(ATM):c.4612-11del

Gene: ATM (ATM serine/threonine kinase; plus strand). Cytogenetic location: 11q22.3.
Variant type: Deletion.
Coding change: c.4612-11del on transcript NM_000051.4 (MANE Select); 11 bases into the intron before coding-DNA position 4612, one base deleted (A; older notation c.4612-11delA).
Molecular consequence: intron variant.
Genome position (GRCh38, 1-based): chr11:108,293,302, A deleted; the last of 3 consecutive A bases (chr11:108,293,300-108,293,302); deleting any one gives the same sequence. VCF-style (leftmost placement, unchanged base first): chr11-108293299-TA-T. GRCh37 (hg19) VCF-style: chr11-108164026-TA-T.
Other names: c.4612-11del (NM_001351834.2).
Identifiers: ClinVar variation 3254323 (VCV003254323.1), dbSNP rs769626476.

ClinVar aggregate classification (germline): Likely benign (1 of 4 stars; one submission).

Conditions:
Familial cancer of breast. Also called: BREAST CANCER, FAMILIAL; Hereditary breast cancer; hereditary breast carcinoma. Identifiers: Orphanet 227535, MedGen C0346153, MONDO:0016419, OMIM 114480. Disease mechanism: loss of function.

Submission:

Myriad Genetics, Inc.
Classification: Likely benign for Familial cancer of breast. Last evaluated: 2024-05-20. Review status: criteria provided, single submitter. Criteria: Myriad Autosomal Dominant, Autosomal Recessive and X-Linked Classification Criteria (2023). Collection method: clinical testing. Allele origin: unknown.
Comment: This variant is considered likely benign. This variant is intronic and is not expected to impact mRNA splicing.